The following is an entry in ClinVar:

ClinVar aggregate classification (germline): Uncertain significance. Review status: criteria provided, multiple submitters, no conflicts (2 of 4 stars). 4 submissions from 4 submitters: Uncertain significance (4). Last evaluated 2024-11-11.

Conditions:
Hereditary cancer-predisposing syndrome. Also called: Hereditary neoplastic syndrome; Neoplastic Syndromes, Hereditary; Tumor predisposition; Hereditary Cancer Syndrome. Identifiers: Orphanet 140162, MedGen C0027672, MeSH D009386, MONDO:0015356.
Familial cancer of breast. Also called: Hereditary breast cancer; hereditary breast carcinoma; BREAST CANCER, FAMILIAL. Identifiers: Orphanet 227535, MedGen C0346153, MONDO:0016419, OMIM 114480. Disease mechanism: loss of function.
Fanconi anemia complementation group J. Also called: BRIP1-Related Fanconi Anemia. Identifiers: Orphanet 84, MedGen C1836860, MONDO:0012187, OMIM 609054.

Submissions (4):

Labcorp Genetics (formerly Invitae), Labcorp
Classification: Uncertain significance for Familial cancer of breast; Fanconi anemia complementation group J. Last evaluated: 2024-11-11. Review status: criteria provided, single submitter. Criteria: Invitae Variant Classification Sherloc (09022015). Collection method: clinical testing. Allele origin: germline.
Comment: This sequence change replaces glutamic acid, which is acidic and polar, with lysine, which is basic and polar, at codon 636 of the BRIP1 protein (p.Glu636Lys). This variant is not present in population databases (gnomAD no frequency). This missense change has been observed in individual(s) with early-onset breast cancer (PMID: 31822495). ClinVar contains an entry for this variant (Variation ID: 407854). Invitae Evidence Modeling of protein sequence and biophysical properties (such as structural, functional, and spatial information, amino acid conservation, physicochemical variation, residue mobility, and thermodynamic stability) has been performed for this missense variant. However, the output from this modeling did not meet the statistical confidence thresholds required to predict the impact of this variant on BRIP1 protein function. Experimental studies have shown that this missense change affects BRIP1 function (PMID: 31822495). In summary, the available evidence is currently insufficient to determine the role of this variant in disease. Therefore, it has been classified as a Variant of Uncertain Significance.

Ambry Genetics
Classification: Uncertain significance for Hereditary cancer-predisposing syndrome. Last evaluated: 2023-03-22. Review status: criteria provided, single submitter. Criteria: Ambry Variant Classification Scheme 2023. Collection method: clinical testing. Allele origin: germline.
Comment: The p.E636K variant (also known as c.1906G>A), located in coding exon 12 of the BRIP1 gene, results from a G to A substitution at nucleotide position 1906. The glutamic acid at codon 636 is replaced by lysine, an amino acid with similar properties. In an inter-strand cross link damage survival assay, the p.E636K alteration was found to be functionally hypomorphic (Moyer CL et al. Cancer Res. 2020 Feb;80:857-867). This amino acid position is highly conserved in available vertebrate species. In addition, this alteration is predicted to be deleterious by in silico analysis. Since supporting evidence is limited at this time, the clinical significance of this alteration remains unclear.

Color Diagnostics, LLC DBA Color Health
Classification: Uncertain significance for Hereditary cancer-predisposing syndrome. Last evaluated: 2020-11-16. Review status: criteria provided, single submitter. Criteria: ACMG Guidelines, 2015. Collection method: clinical testing. Allele origin: germline.
Comment: This missense variant replaces glutamic acid with lysine at codon 636 of the BRIP1 protein. Computational prediction suggests that this variant may have deleterious impact on protein structure and function (internally defined REVEL score threshold >= 0.7, PMID: 27666373). To our knowledge, functional studies have not been reported for this variant. This variant has not been reported in individuals affected with hereditary cancer in the literature. This variant has not been identified in the general population by the Genome Aggregation Database (gnomAD). The available evidence is insufficient to determine the role of this variant in disease conclusively. Therefore, this variant is classified as a Variant of Uncertain Significance.

GeneDx
Classification: Uncertain significance. Last evaluated: 2019-10-01. Review status: criteria provided, single submitter. Criteria: GeneDx Variant Classification Process June 2021. Collection method: clinical testing. Allele origin: germline. Affected: yes.
Comment: Not observed in large population cohorts (Lek 2016); In silico analysis, which includes protein predictors and evolutionary conservation, supports a deleterious effect; Observed in individuals with breast cancer (Weber-Lassalle 2018); This variant is associated with the following publications: (PMID: 29368626, 31822495)

Literature cited by the submitters: PubMed 31822495 (cited by Labcorp Genetics (formerly Invitae), Labcorp and Ambry Genetics).

NM_032043.3(BRIP1):c.1906G>A (p.Glu636Lys)

Gene: BRIP1 (BRCA1 interacting DNA helicase 1; minus strand). Cytogenetic location: 17q23.2.
Variant type: single nucleotide variant.
Coding change: c.1906G>A on transcript NM_032043.3 (MANE Select); coding-DNA position 1906, G replaced by A.
Protein change: p.Glu636Lys; replaces glutamic acid 636 with lysine.
Molecular consequence: missense variant.
Genome position (GRCh38, 1-based): chr17:61,780,290, C>T on the plus strand (G>A on the coding strand, the complement: BRIP1 is on the minus strand). VCF-style: chr17-61780290-C-T. GRCh37 (hg19) VCF-style: chr17-59857651-C-T.
Other names: short protein forms E636K.
Identifiers: ClinVar variation 407854 (VCV000407854.17), dbSNP rs1060501769, ClinGen allele CA16615511.
Genomic context (GRCh38, chr17:61,780,290, plus strand): 5'-AGGCCTTCCAAAAAAAAAAACAACAACTAACCTGTGAATTTTTAATGATATGATTAGCCT[C>T]CAGCTGGATAGTAAATGTAACACCAAGTTCTGACGAAAAGGATTTCATTGGTGATAATGT-3'
Protein context (NP_114432.2, residues 626-646): ELGVTFTIQL[Glu636Lys]ANHIIKNSQV